The following is an entry in ClinVar:

NM_182972.3(IRF2BP2):c.1687C>A (p.Pro563Thr)

Gene: IRF2BP2 (interferon regulatory factor 2 binding protein 2; minus strand). Cytogenetic location: 1q42.3.
Variant type: single nucleotide variant.
Coding change: c.1687C>A on transcript NM_182972.3 (MANE Select); coding-DNA position 1687, C replaced by A.
Protein change: p.Pro563Thr; replaces proline 563 with threonine.
Molecular consequence: missense variant.
Genome position (GRCh38, 1-based): chr1:234,607,214, G>T on the plus strand (C>A on the coding strand, the complement: IRF2BP2 is on the minus strand). VCF-style: chr1-234607214-G-T. GRCh37 (hg19) VCF-style: chr1-234742960-G-T.
Other names: c.1639C>A, p.Pro547Thr (NM_001077397.1); short protein forms P547T, P563T.
Identifiers: ClinVar variation 2833788 (VCV002833788.3), dbSNP rs916648659, ClinGen allele CA345304951.

ClinVar aggregate classification (germline): Uncertain significance (1 of 4 stars; one submission).

Submission:

Labcorp Genetics (formerly Invitae), Labcorp
Classification: Uncertain significance. Last evaluated: 2023-02-01. Review status: criteria provided, single submitter. Criteria: Invitae Variant Classification Sherloc (09022015). Collection method: clinical testing. Allele origin: germline.
Comment: This sequence change replaces proline, which is neutral and non-polar, with threonine, which is neutral and polar, at codon 563 of the IRF2BP2 protein (p.Pro563Thr). This variant is not present in population databases (gnomAD no frequency). This variant has not been reported in the literature in individuals affected with IRF2BP2-related conditions. Algorithms developed to predict the effect of missense changes on protein structure and function (SIFT, PolyPhen-2, Align-GVGD) all suggest that this variant is likely to be disruptive. In summary, the available evidence is currently insufficient to determine the role of this variant in disease. Therefore, it has been classified as a Variant of Uncertain Significance.